The following is an entry in ClinVar:

NM_000059.4(BRCA2):c.6386A>G (p.Glu2129Gly)

Gene: BRCA2 (BRCA2 DNA repair associated; plus strand). Cytogenetic location: 13q13.1.
Variant type: single nucleotide variant.
Coding change: c.6386A>G on transcript NM_000059.4 (MANE Select); coding-DNA position 6386, A replaced by G.
Protein change: p.Glu2129Gly; replaces glutamic acid 2129 with glycine.
Molecular consequence: missense variant.
Genome position (GRCh38, 1-based): chr13:32,340,741, A>G. VCF-style: chr13-32340741-A-G. GRCh37 (hg19) VCF-style: chr13-32914878-A-G.
Other names: short protein forms E2129G.
Identifiers: ClinVar variation 584858 (VCV000584858.17), dbSNP rs1566234469, ClinGen allele CA387789202.

ClinVar aggregate classification (germline): Conflicting classifications of pathogenicity. Review status: criteria provided, conflicting classifications (1 of 4 stars). 6 submissions from 6 submitters: Uncertain significance (5); Likely benign (1). Last evaluated 2026-01-19.

Conditions:
Hereditary breast ovarian cancer syndrome. Also called: Hereditary breast and ovarian cancer syndrome (HBOC); Breast and ovarian cancer; Hereditary breast and ovarian cancer syndrome; Hereditary breast and ovarian cancer; BRCA1- and BRCA2-Associated Hereditary Breast and Ovarian Cancer; Hereditary breast and/or ovarian cancer syndrome. Identifiers: Orphanet 145, MedGen C0677776, MeSH D061325, MONDO:0003582. Disease mechanism: loss of function.
Hereditary cancer-predisposing syndrome. Also called: Neoplastic Syndromes, Hereditary; Hereditary Cancer Syndrome; Tumor predisposition; Hereditary neoplastic syndrome. Identifiers: Orphanet 140162, MedGen C0027672, MeSH D009386, MONDO:0015356.
Breast-ovarian cancer, familial, susceptibility to, 2 (BROVCA2). Also called: BRCA2 Hereditary Breast and Ovarian Cancer. Identifiers: Orphanet 145, MedGen C2675520, MONDO:0012933, OMIM 612555. Disease mechanism: loss of function.

Allele frequency attached by ClinVar (database versions not stated): gnomAD 0.00001.
gnomAD v4.1: 1 of 1,605,794 alleles (0.000062%); highest among the groups gnomAD compares: Admixed American, 0.0017%; no homozygotes.

Submissions (6):

Labcorp Genetics (formerly Invitae), Labcorp
Classification: Uncertain significance for Hereditary breast ovarian cancer syndrome. Last evaluated: 2026-01-19. Review status: criteria provided, single submitter. Criteria: Invitae Variant Classification Sherloc (09022015). Collection method: clinical testing. Allele origin: germline.
Comment: This sequence change replaces glutamic acid, which is acidic and polar, with glycine, which is neutral and non-polar, at codon 2129 of the BRCA2 protein (p.Glu2129Gly). This variant is not present in population databases (gnomAD no frequency). This missense change has been observed in individual(s) with hereditary breast and/or ovarian cancer (HBOC) (PMID: 35264596, 35534704). ClinVar contains an entry for this variant (Variation ID: 584858). Invitae Evidence Modeling of protein sequence and biophysical properties (such as structural, functional, and spatial information, amino acid conservation, physicochemical variation, residue mobility, and thermodynamic stability) indicates that this missense variant is not expected to disrupt BRCA2 protein function with a negative predictive value of 95%. In summary, the available evidence is currently insufficient to determine the role of this variant in disease. Therefore, it has been classified as a Variant of Uncertain Significance.

Color Diagnostics, LLC DBA Color Health
Classification: Uncertain significance for Hereditary cancer-predisposing syndrome. Last evaluated: 2025-05-06. Review status: criteria provided, single submitter. Criteria: ACMG Guidelines, 2015. Collection method: clinical testing. Allele origin: germline.
Comment: This missense variant replaces glutamic acid with glycine at codon 2129 of the BRCA2 protein. Computational prediction suggests that this variant may not impact protein structure and function. To our knowledge, functional studies have not been reported for this variant. This variant has been reported in at least one individual affected with breast or ovarian cancer (PMID: 35264596, 35534704). This variant has not been identified in the general population by the Genome Aggregation Database (gnomAD). The available evidence is insufficient to determine the role of this variant in disease conclusively. Therefore, this variant is classified as a Variant of Uncertain Significance.

Ambry Genetics
Classification: Uncertain significance for Hereditary cancer-predisposing syndrome. Last evaluated: 2024-11-25. Review status: criteria provided, single submitter. Criteria: Ambry Variant Classification Scheme 2023. Collection method: clinical testing. Allele origin: germline.
Comment: The p.E2129G variant (also known as c.6386A>G), located in coding exon 10 of the BRCA2 gene, results from an A to G substitution at nucleotide position 6386. The glutamic acid at codon 2129 is replaced by glycine, an amino acid with similar properties. This alteration has been identified in multiple individuals diagnosed with breast cancer (de Oliveira JM et al. Eur J Hum Genet, 2022 Jul;30:818-823; Guindalini RSC et al. Sci Rep, 2022 Mar;12:4190). This amino acid position is not well conserved in available vertebrate species. In addition, this alteration is predicted to be tolerated by in silico analysis. Based on the available evidence, the clinical significance of this variant remains unclear.

University of Washington Department of Laboratory Medicine, University of Washington
Classification: Likely benign for Hereditary cancer-predisposing syndrome. Last evaluated: 2023-03-23. Review status: criteria provided, single submitter. Criteria: Dines et al. (Genet Med. 2020). Collection method: curation. Allele origin: germline.
Comment: Missense variant in a coldspot region where missense variants are very unlikely to be pathogenic (PMID:31911673).

BRCA2 exon 11 coldspot. Reclassification based on statistical prior probability.

Mendelics
Classification: Uncertain significance for Breast-ovarian cancer, familial, susceptibility to, 2. Last evaluated: 2019-05-28. Review status: criteria provided, single submitter. Criteria: Mendelics Assertion Criteria 2017. Collection method: clinical testing. Allele origin: unknown.

Quest Diagnostics Nichols Institute San Juan Capistrano
Classification: Uncertain significance. Last evaluated: 2018-06-27. Review status: criteria provided, single submitter. Criteria: Quest Diagnostics criteria. Collection method: clinical testing. Allele origin: germline.

Literature cited by the submitters: PubMed 35264596 (cited by 3 submitters); PubMed 35534704 (cited by 3 submitters).